The following is an entry in ClinVar:

ClinVar aggregate classification (germline): Uncertain significance (1 of 4 stars; one submission).

Conditions:
Congenital myasthenic syndrome 4A. Also called: CONGENITAL MYASTHENIC SYNDROME TYPE Ia1; MYASTHENIC SYNDROME, CONGENITAL, 4A, SLOW-CHANNEL, AUTOSOMAL RECESSIVE; Myasthenic syndrome, congenital, 4a, slow-channel. Identifiers: Orphanet 590, MedGen C4225413, MONDO:0011600, OMIM 605809.

Allele frequency attached by ClinVar (database versions not stated): gnomAD exomes 0.00001; gnomAD 0.00003; ExAC 0.00005; 1000 Genomes Project 30x 0.00031; 1000 Genomes Project 0.00060.
gnomAD v4.1: 13 of 1,607,306 alleles (0.00081%); highest among the groups gnomAD compares: East Asian, 0.0067%; no homozygotes.

Submission:

Labcorp Genetics (formerly Invitae), Labcorp
Classification: Uncertain significance for Congenital myasthenic syndrome 4A. Last evaluated: 2024-12-09. Review status: criteria provided, single submitter. Criteria: Invitae Variant Classification Sherloc (09022015). Collection method: clinical testing. Allele origin: germline.
Comment: This sequence change falls in intron 10 of the CHRNE gene. It does not directly change the encoded amino acid sequence of the CHRNE protein. It affects a nucleotide within the consensus splice site. This variant is present in population databases (rs545198600, gnomAD 0.02%). This variant has not been reported in the literature in individuals affected with CHRNE-related conditions. ClinVar contains an entry for this variant (Variation ID: 2201362). Variants that disrupt the consensus splice site are a relatively common cause of aberrant splicing (PMID: 17576681, 9536098). Algorithms developed to predict the effect of sequence changes on RNA splicing suggest that this variant is not likely to affect RNA splicing. In summary, the available evidence is currently insufficient to determine the role of this variant in disease. Therefore, it has been classified as a Variant of Uncertain Significance.

Literature cited by the submitters: PubMed 17576681; PubMed 9536098.

NM_000080.4(CHRNE):c.1220-3C>T

Gene: CHRNE (cholinergic receptor nicotinic epsilon subunit; minus strand). Cytogenetic location: 17p13.2.
Variant type: single nucleotide variant.
Coding change: c.1220-3C>T on transcript NM_000080.4 (MANE Select); 3 bases into the intron before coding-DNA position 1220, C replaced by T.
Molecular consequence: intron variant.
Genome position (GRCh38, 1-based): chr17:4,899,110, G>A on the plus strand (C>T on the coding strand, the complement: CHRNE is on the minus strand). VCF-style: chr17-4899110-G-A. GRCh37 (hg19) VCF-style: chr17-4802405-G-A.
Identifiers: ClinVar variation 2201362 (VCV002201362.2), dbSNP rs545198600, ClinGen allele CA8313936.
Genomic context (GRCh38, chr17:4,899,110, plus strand): 5'-GCATCCACACAGCAGCGGACCTCGGGGGCGGCGGCGCCCAGGCTCTGGCAGAAGGCAGCT[G>A]GCGGGGAAAACACCGGGGTGGGCCTTAGGAGCCTCCCCCCTGGCAGGCACCCCGCGCGGC-3'